The following is an entry in ClinVar:

ClinVar aggregate classification (germline): Likely benign (1 of 4 stars; one submission).

gnomAD v4.1: 2 of 1,604,878 alleles (0.00012%); highest among the groups gnomAD compares: Non-Finnish European, 0.000085%; no homozygotes.

Submission:

CeGaT Center for Human Genetics Tuebingen
Classification: Likely benign. Last evaluated: 2025-01-01. Review status: criteria provided, single submitter. Criteria: CeGaT Center For Human Genetics Tuebingen Variant Classification Criteria Version 2. Collection method: clinical testing. Allele origin: germline. Affected: yes. Observed: 1 variant allele.
Comment: IL2RB: BP4, BP7

NM_000878.5(IL2RB):c.921C>T (p.Pro307=)

Gene: IL2RB (interleukin 2 receptor subunit beta; minus strand). Cytogenetic location: 22q12.3.
Variant type: single nucleotide variant.
Coding change: c.921C>T on transcript NM_000878.5 (MANE Select); coding-DNA position 921, C replaced by T.
Protein change: p.Pro307=; no amino-acid change (proline 307 retained).
Molecular consequence: synonymous variant.
Genome position (GRCh38, 1-based): chr22:37,128,831, G>A on the plus strand (C>T on the coding strand, the complement: IL2RB is on the minus strand). VCF-style: chr22-37128831-G-A. GRCh37 (hg19) VCF-style: chr22-37524871-G-A.
Other names: c.921C>T, p.Pro307= (NM_001346222.1, NM_001346223.2).
Identifiers: ClinVar variation 3770621 (VCV003770621.13).
Genomic context (GRCh38, chr22:37,128,831, plus strand): 5'-CACTTCTAGTGGCGAGATCTCAGGTGCCAGGCCGCCAGGGCTGAAGGACGATGAGGGGAA[G>A]GGCGAAGAGAGCCACTTCTGGTGGGAGAAAGGCCAGGGGTGGGTGAGTGGGGGCTTCCTT-3'
Protein context (NP_000869.1, residues 297-317): GGDVQKWLSS[Pro307=]FPSSSFSPGG